The following is an entry in ClinVar:

NC_000002.11:g.(?_58386900)_(58459257_?)dup

Genes: FANCL (FA complementation group L; minus strand), VRK2 (VRK serine/threonine kinase 2; plus strand). Cytogenetic location: 2p16.1.
Variant type: Duplication.
Identifiers: ClinVar variation 3247132 (VCV003247132.1).

ClinVar aggregate classification (germline): Uncertain significance (1 of 4 stars; one submission).

Conditions:
Fanconi anemia (FA). Also called: Fanconi's anemia. Identifiers: Orphanet 84, MedGen C0015625, MeSH D005199, MONDO:0019391.

Submission:

Labcorp Genetics (formerly Invitae), Labcorp
Classification: Uncertain significance for Fanconi anemia. Last evaluated: 2023-09-13. Review status: criteria provided, single submitter. Criteria: Invitae Variant Classification Sherloc (09022015). Collection method: clinical testing. Allele origin: unknown.
Comment: In summary, the available evidence is currently insufficient to determine the role of this variant in disease. Therefore, it has been classified as a Variant of Uncertain Significance. This variant has not been reported in the literature in individuals affected with FANCL-related conditions. This variant results in a copy number gain of the genomic region encompassing exon(s) 2-14 of the FANCL gene. This region includes the termination codon of the gene. This copy number gain extends beyond the assayed region for this gene and therefore may encompass additional genes. As the precise location of this event is unknown, it may be in tandem or it may be located elsewhere in the genome.